The following is an entry in ClinVar:

ClinVar aggregate classification (germline): Likely benign. Review status: criteria provided, multiple submitters, no conflicts (2 of 4 stars). 2 submissions from 2 submitters: Likely benign (2). Last evaluated 2025-10-23.

Conditions:
Spastic paraplegia. Identifiers: MedGen C0037772, HP:0001258.

Allele frequency attached by ClinVar (database versions not stated): gnomAD exomes below 0.00001.
gnomAD v4.1: 1 of 1,613,408 alleles (0.000062%); highest among the groups gnomAD compares: Non-Finnish European, 0.000085%; no homozygotes.

Submissions (2):

Mayo Clinic Laboratories, Mayo Clinic
Classification: Likely benign. Last evaluated: 2025-10-23. Review status: criteria provided, single submitter. Criteria: ACMG Guidelines, 2015. Collection method: clinical testing. Allele origin: germline. Observed: 1 variant allele.
Comment: BP4, BP7

Labcorp Genetics (formerly Invitae), Labcorp
Classification: Likely benign for Spastic paraplegia. Last evaluated: 2023-12-06. Review status: criteria provided, single submitter. Criteria: Invitae Variant Classification Sherloc (09022015). Collection method: clinical testing. Allele origin: germline.

NM_014363.6(SACS):c.7002G>A (p.Lys2334=)

Gene: SACS (sacsin molecular chaperone; minus strand). Cytogenetic location: 13q12.12.
Variant type: single nucleotide variant.
Coding change: c.7002G>A on transcript NM_014363.6 (MANE Select); coding-DNA position 7002, G replaced by A.
Protein change: p.Lys2334=; no amino-acid change (lysine 2334 retained).
Molecular consequence: synonymous variant.
Genome position (GRCh38, 1-based): chr13:23,336,874, C>T on the plus strand (G>A on the coding strand, the complement: SACS is on the minus strand). VCF-style: chr13-23336874-C-T. GRCh37 (hg19) VCF-style: chr13-23911013-C-T.
Other names: p.Lys2334=; c.6561G>A, p.Lys2187= (NM_001278055.2).
Identifiers: ClinVar variation 2908178 (VCV002908178.4), dbSNP rs2542240947, ClinGen allele CA483160991.